The following is an entry in ClinVar:

NM_057175.5(NAA15):c.85G>T (p.Gly29Ter)

Gene: NAA15 (N-alpha-acetyltransferase 15, NatA auxiliary subunit; plus strand). Cytogenetic location: 4q31.1.
Variant type: single nucleotide variant.
Coding change: c.85G>T on transcript NM_057175.5 (MANE Select); coding-DNA position 85, G replaced by T.
Protein change: p.Gly29Ter; replaces glycine 29 with a stop codon.
Molecular consequence: nonsense.
Genome position (GRCh38, 1-based): chr4:139,334,204, G>T. VCF-style: chr4-139334204-G-T. GRCh37 (hg19) VCF-style: chr4-140255358-G-T.
Other names: c.85G>T, p.Gly29Ter (NM_001410842.1, NM_025085.2); short protein forms G29*.
Identifiers: ClinVar variation 2663314 (VCV002663314.1), dbSNP rs1747122771, ClinGen allele CA358257121.

ClinVar aggregate classification (germline): Pathogenic (1 of 4 stars; one submission).

Submission:

GeneDx
Classification: Pathogenic. Last evaluated: 2023-11-14. Review status: criteria provided, single submitter. Criteria: GeneDx Variant Classification Process June 2021. Collection method: clinical testing. Allele origin: germline. Affected: yes.
Comment: Nonsense variant predicted to result in protein truncation or nonsense mediated decay in a gene for which loss-of-function is a known mechanism of disease; Not observed in large population cohorts (gnomAD); Has not been previously published as pathogenic or benign to our knowledge